The following is an entry in ClinVar:

NM_001010909.5(MUC21):c.1116C>T (p.Thr372=)

Genes: MUC21 (mucin 21, cell surface associated; plus strand), LOC126859647 (CDK7 strongly-dependent group 2 enhancer GRCh37_chr6:30954612-30955811; plus strand). Cytogenetic location: 6p21.33.
Variant type: single nucleotide variant.
Coding change: c.1116C>T on transcript NM_001010909.5 (MANE Select); coding-DNA position 1116, C replaced by T.
Protein change: p.Thr372=; no amino-acid change (threonine 372 retained).
Molecular consequence: synonymous variant. On other transcripts: non-coding transcript variant (1).
Genome position (GRCh38, 1-based): chr6:30,987,291, C>T. VCF-style: chr6-30987291-C-T. GRCh37 (hg19) VCF-style: chr6-30955068-C-T.
Other names: c.1206C>T, p.Val402= (NM_001322370.2); c.1206C>T, p.Ala402= (NM_001322371.2).
Identifiers: ClinVar variation 2656375 (VCV002656375.24), dbSNP rs751740424, ClinGen allele CA449782372.

ClinVar aggregate classification (germline): Likely benign (1 of 4 stars; one submission).

Submission:

CeGaT Center for Human Genetics Tuebingen
Classification: Likely benign. Last evaluated: 2026-09-01. Review status: criteria provided, single submitter. Criteria: CeGaT Center For Human Genetics Tuebingen Variant Classification Criteria Version 2. Collection method: clinical testing. Allele origin: germline. Affected: yes. Observed: 17 variant alleles.
Comment: MUC21: BP4, BP7